The following is an entry in ClinVar:

ClinVar aggregate classification (germline): Uncertain significance (1 of 4 stars; one submission).

Conditions:
Citrin deficiency. Identifiers: Orphanet 247582, MedGen C1997910, MONDO:0016602.

Submission:

Labcorp Genetics (formerly Invitae), Labcorp
Classification: Uncertain significance for Citrin deficiency. Last evaluated: 2019-11-06. Review status: criteria provided, single submitter. Criteria: Invitae Variant Classification Sherloc (09022015). Collection method: clinical testing. Allele origin: germline.
Comment: In summary, the available evidence is currently insufficient to determine the role of this variant in disease. Therefore, it has been classified as a Variant of Uncertain Significance. This variant has not been reported in the literature in individuals with SLC25A13-related conditions. This variant results in a copy number gain of the genomic region encompassing the full coding sequence of the SLC25A13 gene. The boundaries of this event are unknown as they extend beyond the assayed region for this gene and therefore may encompass additional genes. As the precise location of this event is unknown, it may be in tandem or it may be located elsewhere in the genome.

NC_000007.14:g.(?_96121171)_(96321976_?)dup

Gene: SLC25A13 (solute carrier family 25 member 13; minus strand). Cytogenetic location: 7q21.3.
Variant type: Duplication.
Identifiers: ClinVar variation 833215 (VCV000833215.6).